The following is an entry in ClinVar:

NM_001377265.1(MAPT):c.1776C>T (p.Pro592=)

Gene: MAPT (microtubule associated protein tau). Cytogenetic location: 17q21.31.
Variant type: single nucleotide variant.
Coding change: c.1776C>T on transcript NM_001377265.1 (MANE Select); coding-DNA position 1776, C replaced by T.
Protein change: p.Pro592=; no amino-acid change (proline 592 retained).
Molecular consequence: synonymous variant.
Genome position (GRCh38, 1-based): chr17:45,996,442, C>T. VCF-style: chr17-45996442-C-T. GRCh37 (hg19) VCF-style: chr17-44073808-C-T.
Other names: c.1605C>T, p.Pro535= (NM_001123066.4); c.513C>T, p.Pro171= (NM_001123067.4, NM_001203251.2, NM_001377267.1); c.600C>T, p.Pro200= (NM_001203252.2, NM_005910.6); c.1578C>T, p.Pro526= (NM_001377266.1); c.426C>T, p.Pro142= (NM_001377268.1, NM_016834.5, NM_016841.5); c.1551C>T, p.Pro517= (NM_016835.5).
Identifiers: ClinVar variation 892459 (VCV000892459.12), dbSNP rs201057449, ClinGen allele CA8618030.

ClinVar aggregate classification (germline): Benign/Likely benign. Review status: criteria provided, multiple submitters, no conflicts (2 of 4 stars). 2 submissions from 2 submitters: Benign (1); Likely benign (1). Last evaluated 2022-09-15.

Conditions:
Frontotemporal dementia (FTD1). Also called: FRONTOTEMPORAL DEMENTIA WITH PARKINSONISM; FRONTOTEMPORAL LOBE DEMENTIA; MULTIPLE SYSTEM TAUOPATHY WITH PRESENILE DEMENTIA; WILHELMSEN-LYNCH DISEASE; Dementia, frontotemporal, with or without parkinsonism; Frontotemporal lobe dementia (FLDEM). Identifiers: Orphanet 282, MedGen C0338451, MONDO:0017276, OMIM 600274, HP:0002145.
MAPT-Related Spectrum Disorders.

Allele frequency attached by ClinVar (database versions not stated): gnomAD 0.00001 and 0.00002; TOPMed 0.00001; ExAC 0.00002; gnomAD exomes 0.00003.
gnomAD v4.1: 24 of 1,612,824 alleles (0.0015%); highest among the groups gnomAD compares: African/African-American, 0.0027%; no homozygotes.

Submissions (2):

Labcorp Genetics (formerly Invitae), Labcorp
Classification: Likely benign for Frontotemporal dementia. Last evaluated: 2022-09-15. Review status: criteria provided, single submitter. Criteria: Invitae Variant Classification Sherloc (09022015). Collection method: clinical testing. Allele origin: germline.

Illumina Laboratory Services, Illumina
Classification: Benign for MAPT-Related Spectrum Disorders. Last evaluated: 2018-03-26. Review status: criteria provided, single submitter. Criteria: ICSL Variant Classification Criteria 13 December 2019. Collection method: clinical testing. Allele origin: germline.
Comment: This variant was observed in the ICSL laboratory as part of a predisposition screen in an ostensibly healthy population. It had not been previously curated by ICSL or reported in the Human Gene Mutation Database (HGMD: prior to June 1st, 2018), and was therefore a candidate for classification through an automated scoring system. Utilizing variant allele frequency, disease prevalence and penetrance estimates, and inheritance mode, an automated score was calculated to assess if this variant is too frequent to cause the disease. Based on the score and internal cut-off values, a variant classified as benign is not then subjected to further curation. The score for this variant resulted in a classification of benign for this disease.